The following is an entry in ClinVar:

ClinVar aggregate classification (germline): Uncertain significance (1 of 4 stars; one submission).

Conditions:
Inborn genetic diseases. Identifiers: MedGen C0950123, MeSH D030342.

Submission:

Ambry Genetics
Classification: Uncertain significance for Inborn genetic diseases. Last evaluated: 2024-03-21. Review status: criteria provided, single submitter. Criteria: Ambry Variant Classification Scheme 2023. Collection method: clinical testing. Allele origin: germline.
Comment: The c.167T>C (p.L56P) alteration is located in exon 1 (coding exon 1) of the ZMYND11 gene. This alteration results from a T to C substitution at nucleotide position 167, causing the leucine (L) at amino acid position 56 to be replaced by a proline (P). This variant was not reported in population-based cohorts in the Genome Aggregation Database (gnomAD). This amino acid position is highly conserved in available vertebrate species. This missense alteration is located in a region that has a low rate of benign missense variation (Lek, 2016; Firth, 2009). This alteration is predicted to be deleterious by in silico analysis. Based on insufficient or conflicting evidence, the clinical significance of this alteration remains unclear.

NM_001370100.5(ZMYND11):c.167T>C (p.Leu56Pro)

Gene: ZMYND11 (zinc finger MYND-type containing 11; plus strand). Cytogenetic location: 10p15.3.
Variant type: single nucleotide variant.
Coding change: c.167T>C on transcript NM_001370100.5 (MANE Select); coding-DNA position 167, T replaced by C.
Protein change: p.Leu56Pro; replaces leucine 56 with proline.
Molecular consequence: missense variant. On other transcripts: non-coding transcript variant (1), intron variant (1).
Genome position (GRCh38, 1-based): chr10:209,939, T>C. VCF-style: chr10-209939-T-C. GRCh37 (hg19) VCF-style: chr10-255879-T-C.
Other names: c.167T>C, p.Leu56Pro (NM_001202464.3, NM_001202465.3, NM_001202466.3 and 24 more transcripts); c.116T>C, p.Leu39Pro (NM_001330057.3, NM_001370112.2, NM_001370123.2); c.101T>C, p.Leu34Pro (NM_001370116.2, NM_001370120.2); c.47T>C, p.Leu16Pro (NM_001370118.2, NM_001370121.2); c.-33-26899T>C (NM_001370124.3); short protein forms L16P, L39P, L56P, L34P.
Identifiers: ClinVar variation 3334831 (VCV003334831.1).